The following is an entry in ClinVar:

ClinVar aggregate classification (germline): Uncertain significance (1 of 4 stars; one submission).

Conditions:
Inborn genetic diseases. Identifiers: MedGen C0950123, MeSH D030342.

gnomAD v4.1: 1 of 1,613,928 alleles (0.000062%); highest among the groups gnomAD compares: African/African-American, 0.0013%; no homozygotes.

Submission:

Ambry Genetics
Classification: Uncertain significance for Inborn genetic diseases. Last evaluated: 2024-12-01. Review status: criteria provided, single submitter. Criteria: Ambry Variant Classification Scheme 2023. Collection method: clinical testing. Allele origin: germline.
Comment: The p.G1093D variant (also known as c.3278G>A), located in coding exon 24 of the ANKRD26 gene, results from a G to A substitution at nucleotide position 3278. The glycine at codon 1093 is replaced by aspartic acid, an amino acid with similar properties. This amino acid position is conserved. In addition, this alteration is predicted to be tolerated by in silico analysis. Based on the available evidence, the clinical significance of this variant remains unclear.

NM_014915.3(ANKRD26):c.3278G>A (p.Gly1093Asp)

Gene: ANKRD26 (ankyrin repeat domain containing 26; minus strand). Cytogenetic location: 10p12.1.
Variant type: single nucleotide variant.
Coding change: c.3278G>A on transcript NM_014915.3 (MANE Select); coding-DNA position 3278, G replaced by A.
Protein change: p.Gly1093Asp; replaces glycine 1093 with aspartic acid.
Molecular consequence: missense variant.
Genome position (GRCh38, 1-based): chr10:27,035,172, C>T on the plus strand (G>A on the coding strand, the complement: ANKRD26 is on the minus strand). VCF-style: chr10-27035172-C-T. GRCh37 (hg19) VCF-style: chr10-27324101-C-T.
Other names: c.3275G>A, p.Gly1092Asp (NM_001256053.2); short protein forms G1092D, G1093D.
Identifiers: ClinVar variation 3395552 (VCV003395552.1).